The following is an entry in ClinVar:

ClinVar aggregate classification (germline): Uncertain significance (1 of 4 stars; one submission).

Conditions:
Hereditary cancer-predisposing syndrome. Also called: Neoplastic Syndromes, Hereditary; Tumor predisposition; Hereditary Cancer Syndrome; Hereditary neoplastic syndrome. Identifiers: Orphanet 140162, MedGen C0027672, MeSH D009386, MONDO:0015356.

Allele frequency attached by ClinVar (database versions not stated): gnomAD exomes below 0.00001.

Submission:

Ambry Genetics
Classification: Uncertain significance for Hereditary cancer-predisposing syndrome. Last evaluated: 2024-09-10. Review status: criteria provided, single submitter. Criteria: Ambry Variant Classification Scheme 2023. Collection method: clinical testing. Allele origin: germline.
Comment: The p.E215K variant (also known as c.643G>A), located in coding exon 3 of the TMEM127 gene, results from a G to A substitution at nucleotide position 643. The glutamic acid at codon 215 is replaced by lysine, an amino acid with similar properties. This amino acid position is conserved. In addition, this alteration is predicted to be deleterious by in silico analysis. Since supporting evidence is limited at this time, the clinical significance of this alteration remains unclear.

NM_017849.4(TMEM127):c.643G>A (p.Glu215Lys)

Gene: TMEM127 (transmembrane protein 127; minus strand). Cytogenetic location: 2q11.2.
Variant type: single nucleotide variant.
Coding change: c.643G>A on transcript NM_017849.4 (MANE Select); coding-DNA position 643, G replaced by A.
Protein change: p.Glu215Lys; replaces glutamic acid 215 with lysine.
Molecular consequence: missense variant.
Genome position (GRCh38, 1-based): chr2:96,253,882, C>T on the plus strand (G>A on the coding strand, the complement: TMEM127 is on the minus strand). VCF-style: chr2-96253882-C-T. GRCh37 (hg19) VCF-style: chr2-96919620-C-T.
Other names: c.643G>A, p.Glu215Lys (NM_001193304.3); c.391G>A, p.Glu131Lys (NM_001407282.1, NM_001407283.1); short protein forms E215K, E131K.
Identifiers: ClinVar variation 1753538 (VCV001753538.3), dbSNP rs2467262858, ClinGen allele CA347651661.